The following is an entry in ClinVar:

NM_015559.3(SETBP1):c.3026G>A (p.Arg1009Lys)

Gene: SETBP1 (SET binding protein 1; plus strand). Cytogenetic location: 18q12.3.
Variant type: single nucleotide variant.
Coding change: c.3026G>A on transcript NM_015559.3 (MANE Select); coding-DNA position 3026, G replaced by A.
Protein change: p.Arg1009Lys; replaces arginine 1009 with lysine.
Molecular consequence: missense variant.
Genome position (GRCh38, 1-based): chr18:44,952,366, G>A. VCF-style: chr18-44952366-G-A. GRCh37 (hg19) VCF-style: chr18-42532331-G-A.
Other names: c.3026G>A, p.Arg1009Lys (NM_001379141.1, NM_001379142.1, NM_001410862.1); short protein forms R1009K.
Identifiers: ClinVar variation 3651188 (VCV003651188.2).

ClinVar aggregate classification (germline): Uncertain significance (1 of 4 stars; one submission).

Submission:

Labcorp Genetics (formerly Invitae), Labcorp
Classification: Uncertain significance. Last evaluated: 2024-05-12. Review status: criteria provided, single submitter. Criteria: Invitae Variant Classification Sherloc (09022015). Collection method: clinical testing. Allele origin: germline.
Comment: This sequence change replaces arginine, which is basic and polar, with lysine, which is basic and polar, at codon 1009 of the SETBP1 protein (p.Arg1009Lys). This variant is not present in population databases (gnomAD no frequency). This variant has not been reported in the literature in individuals affected with SETBP1-related conditions. Advanced modeling of protein sequence and biophysical properties (such as structural, functional, and spatial information, amino acid conservation, physicochemical variation, residue mobility, and thermodynamic stability) performed at Invitae indicates that this missense variant is not expected to disrupt SETBP1 protein function with a negative predictive value of 80%. In summary, the available evidence is currently insufficient to determine the role of this variant in disease. Therefore, it has been classified as a Variant of Uncertain Significance.